The following is an entry in ClinVar:

ClinVar aggregate classification (germline): Benign/Likely benign. Review status: criteria provided, multiple submitters, no conflicts (2 of 4 stars). 3 submissions from 3 submitters: Benign (1); Likely benign (2). Last evaluated 2025-03-12.

Conditions:
Hereditary nonpolyposis colorectal neoplasms. Identifiers: MedGen C0009405, MeSH D003123.
Hereditary cancer-predisposing syndrome. Also called: Neoplastic Syndromes, Hereditary; Tumor predisposition; Hereditary Cancer Syndrome; Hereditary neoplastic syndrome. Identifiers: Orphanet 140162, MedGen C0027672, MeSH D009386, MONDO:0015356.
Lynch syndrome 5 (LYNCH5). Also called: Colorectal cancer, hereditary nonpolyposis, type 5; Hereditary non-polyposis colorectal cancer, type 5. Identifiers: Orphanet 144, MedGen C1833477, MONDO:0013710, OMIM 614350. Disease mechanism: loss of function.

Allele frequency attached by ClinVar (database versions not stated): gnomAD 0.00001; 1000 Genomes Project 30x 0.00016.
gnomAD v4.1: 1 of 1,606,344 alleles (0.000062%); highest among the groups gnomAD compares: African/African-American, 0.0013%; no homozygotes.

Submissions (3):

Labcorp Genetics (formerly Invitae), Labcorp
Classification: Likely benign for Hereditary nonpolyposis colorectal neoplasms. Last evaluated: 2025-03-12. Review status: criteria provided, single submitter. Criteria: Invitae Variant Classification Sherloc (09022015). Collection method: clinical testing. Allele origin: germline.

Myriad Genetics, Inc.
Classification: Benign for Lynch syndrome 5. Last evaluated: 2024-12-17. Review status: criteria provided, single submitter. Criteria: Myriad Autosomal Dominant, Autosomal Recessive and X-Linked Classification Criteria (2023). Collection method: clinical testing. Allele origin: unknown.
Comment: This variant is considered benign. This variant is a silent/synonymous amino acid change and it is not expected to impact splicing.

Ambry Genetics
Classification: Likely benign for Hereditary cancer-predisposing syndrome. Last evaluated: 2022-02-24. Review status: criteria provided, single submitter. Criteria: Ambry Variant Classification Scheme 2023. Collection method: clinical testing. Allele origin: germline.

NM_000179.3(MSH6):c.126T>G (p.Pro42=)

Gene: MSH6 (mutS homolog 6; plus strand). Cytogenetic location: 2p16.3.
Variant type: single nucleotide variant.
Coding change: c.126T>G on transcript NM_000179.3 (MANE Select); coding-DNA position 126, T replaced by G.
Protein change: p.Pro42=; no amino-acid change (proline 42 retained).
Molecular consequence: synonymous variant. On other transcripts: intron variant (5), 5 prime UTR variant (7), missense variant (1), non-coding transcript variant (5).
Genome position (GRCh38, 1-based): chr2:47,783,359, T>G. VCF-style: chr2-47783359-T-G. GRCh37 (hg19) VCF-style: chr2-48010498-T-G.
Other names: c.-38+128T>G (NM_001406805.1, NM_001406797.1, NM_001406801.1); c.-69+128T>G (NM_001406806.1); c.-280+128T>G (NM_001406815.1); c.126T>G, p.Pro42= (NM_001281492.2, NM_001406795.1, NM_001406796.1 and 9 more transcripts); c.-611T>G (NM_001281493.2, NM_001406811.1); c.-203T>G (NM_001406799.1); c.71T>G, p.Leu24Arg (NM_001406804.1); c.-803T>G (NM_001406807.1); and 3 more; short protein forms L24R.
Identifiers: ClinVar variation 1765244 (VCV001765244.5), dbSNP rs968909277, ClinGen allele CA46688111.
Genomic context (GRCh38, chr2:47,783,359, plus strand): 5'-GGCCTCGGCCAGGGCCTCACGCGAAGGCGGCCGTGCCGCCGCTGCCCCCGGGGCCTCTCC[T>G]TCCCCAGGCGGGGATGCGGCCTGGAGCGAGGCTGGGCCTGGGCCCAGGCCCTTGGCGCGC-3'
Protein context (NP_000170.1, residues 32-52): GRAAAAPGAS[Pro42=]SPGGDAAWSE